The following is an entry in ClinVar:

NM_173660.5(DOK7):c.753G>A (p.Ala251=)

Genes: DOK7 (docking protein 7; plus strand), LOC129992118 (ATAC-STARR-seq lymphoblastoid silent region 15206; plus strand). Cytogenetic location: 4p16.3.
Variant type: single nucleotide variant.
Coding change: c.753G>A on transcript NM_173660.5 (MANE Select); coding-DNA position 753, G replaced by A.
Protein change: p.Ala251=; no amino-acid change (alanine 251 retained).
Molecular consequence: synonymous variant. On other transcripts: missense variant (1), 5 prime UTR variant (1).
Genome position (GRCh38, 1-based): chr4:3,489,777, G>A. VCF-style: chr4-3489777-G-A. GRCh37 (hg19) VCF-style: chr4-3491504-G-A.
Other names: p.Ala251=; c.742G>A, p.Gly248Arg (NM_001164673.2); c.-178G>A (NM_001256896.2); c.753G>A, p.Ala251= (NM_001301071.2); c.321G>A, p.Ala107= (NM_001363811.2); short protein forms G248R.
Identifiers: ClinVar variation 128914 (VCV000128914.26), dbSNP rs59932476, ClinGen allele CA152606.

ClinVar aggregate classification (germline): Benign. Review status: criteria provided, multiple submitters, no conflicts (2 of 4 stars). 10 submissions from 10 submitters: Benign (8). 2 of the submissions do not count toward it. Last evaluated 2026-02-04.

Conditions:
Fetal akinesia deformation sequence 1 (FADS1). Also called: Pena-Shokeir syndrome type I; Fetal akinesia sequence. Identifiers: Orphanet 994, MedGen C1276035, MONDO:0100101, OMIM 208150, HP:0001989.
Congenital myasthenic syndrome 10. Also called: Myasthenia, limb-girdle, familial. Identifiers: Orphanet 590, MedGen C1850792, MONDO:0009690, OMIM 254300.

Allele frequency attached by ClinVar (database versions not stated): gnomAD 0.04559; ESP Exome Variant Server 0.05089; TOPMed 0.05581; 1000 Genomes Project 0.06669; ExAC 0.08828.
gnomAD v4.1: 59,247 of 1,572,772 alleles (3.8%); highest among the groups gnomAD compares: African/African-American, 9.2%; 1,454 homozygotes.

Submissions (26):

Labcorp Genetics (formerly Invitae), Labcorp
Classification: Benign for Congenital myasthenic syndrome 10; Fetal akinesia deformation sequence 1. Last evaluated: 2026-02-04. Review status: criteria provided, single submitter. Criteria: Invitae Variant Classification Sherloc (09022015). Collection method: clinical testing. Allele origin: germline.

Blueprint Genetics
Classification: Benign. Last evaluated: 2024-11-26. Review status: criteria provided, single submitter. Criteria: ACMG Guidelines, 2015. Collection method: clinical testing. Allele origin: germline.

Mayo Clinic Laboratories, Mayo Clinic
Classification: Benign. Last evaluated: 2017-07-24. Review status: criteria provided, single submitter. Criteria: ACMG Guidelines, 2015. Collection method: clinical testing. Allele origin: germline. Observed: 37 variant alleles.

GeneDx
Classification: Benign. Last evaluated: 2016-07-08. Review status: criteria provided, single submitter. Criteria: GeneDx Variant Classification (06012015). Collection method: clinical testing. Allele origin: germline. Affected: yes.
Comment: This variant is considered likely benign or benign based on one or more of the following criteria: it is a conservative change, it occurs at a poorly conserved position in the protein, it is predicted to be benign by multiple in silico algorithms, and/or has population frequency not consistent with disease.

Eurofins Ntd Llc (ga)
Classification: Benign. Last evaluated: 2014-12-11. Review status: criteria provided, single submitter. Criteria: EGL Classification Definitions 2015. Collection method: clinical testing. Allele origin: germline. Observed: 1 variant allele, 1 heterozygote.

Genetic Services Laboratory, University of Chicago
Classification: Benign for AllHighlyPenetrant. Last evaluated: 2013-08-15. Review status: criteria provided, single submitter. Criteria: ACMG Guidelines, 2007. Collection method: clinical testing. Allele origin: germline. Inheritance: Autosomal recessive inheritance.

Breakthrough Genomics
Classification: Benign. Review status: criteria provided, single submitter. Criteria: ACMG Guidelines, 2015. Collection method: not provided. Allele origin: germline. Inheritance: Autosomal recessive inheritance. Affected: yes.

PreventionGenetics, part of Exact Sciences
Classification: Benign. Review status: criteria provided, single submitter. Criteria: ACMG Guidelines, 2015. Collection method: clinical testing. Allele origin: germline.

Dr. Peter K. Rogan Lab, Western University
No classification provided (evidence only). Condition: Clear cell carcinoma of kidney. Review status: no classification provided. Collection method: in vitro. Allele origin: not applicable. Functional consequence: retained intron. Not counted in ClinVar's aggregate classification.

Dr. Peter K. Rogan Lab, Western University
No classification provided (evidence only). Condition: Clear cell carcinoma of kidney. Review status: no classification provided. Collection method: in vitro. Allele origin: not applicable. Functional consequence: retained intron. Not counted in ClinVar's aggregate classification.

Dr. Peter K. Rogan Lab, Western University
No classification provided (evidence only). Condition: Colorectal cancer. Review status: no classification provided. Collection method: in vitro. Allele origin: not applicable. Functional consequence: retained intron. Not counted in ClinVar's aggregate classification.

Dr. Peter K. Rogan Lab, Western University
No classification provided (evidence only). Condition: Thyroid cancer, nonmedullary, 1. Review status: no classification provided. Collection method: in vitro. Allele origin: not applicable. Functional consequence: retained intron. Not counted in ClinVar's aggregate classification.

Dr. Peter K. Rogan Lab, Western University
No classification provided (evidence only). Condition: Thyroid cancer, nonmedullary, 1. Review status: no classification provided. Collection method: in vitro. Allele origin: not applicable. Functional consequence: retained intron. Not counted in ClinVar's aggregate classification.

Dr. Peter K. Rogan Lab, Western University
No classification provided (evidence only). Condition: Thyroid cancer, nonmedullary, 1. Review status: no classification provided. Collection method: in vitro. Allele origin: not applicable. Functional consequence: retained intron. Not counted in ClinVar's aggregate classification.

Dr. Peter K. Rogan Lab, Western University
No classification provided (evidence only). Condition: Thyroid cancer, nonmedullary, 1. Review status: no classification provided. Collection method: in vitro. Allele origin: not applicable. Functional consequence: retained intron. Not counted in ClinVar's aggregate classification.

Dr. Peter K. Rogan Lab, Western University
No classification provided (evidence only). Condition: Hepatocellular carcinoma. Review status: no classification provided. Collection method: in vitro. Allele origin: not applicable. Functional consequence: retained intron. Not counted in ClinVar's aggregate classification.

Dr. Peter K. Rogan Lab, Western University
No classification provided (evidence only). Condition: Gastric cancer. Review status: no classification provided. Collection method: in vitro. Allele origin: not applicable. Functional consequence: retained intron. Not counted in ClinVar's aggregate classification.

Dr. Peter K. Rogan Lab, Western University
No classification provided (evidence only). Condition: Uterine carcinosarcoma. Review status: no classification provided. Collection method: in vitro. Allele origin: not applicable. Functional consequence: retained intron. Not counted in ClinVar's aggregate classification.

Dr. Peter K. Rogan Lab, Western University
No classification provided (evidence only). Condition: Uterine carcinosarcoma. Review status: no classification provided. Collection method: in vitro. Allele origin: not applicable. Functional consequence: retained intron. Not counted in ClinVar's aggregate classification.

Dr. Peter K. Rogan Lab, Western University
No classification provided (evidence only). Condition: Uterine carcinosarcoma. Review status: no classification provided. Collection method: in vitro. Allele origin: not applicable. Functional consequence: retained intron. Not counted in ClinVar's aggregate classification.

Dr. Peter K. Rogan Lab, Western University
No classification provided (evidence only). Condition: Uterine carcinosarcoma. Review status: no classification provided. Collection method: in vitro. Allele origin: not applicable. Functional consequence: retained intron. Not counted in ClinVar's aggregate classification.

Dr. Peter K. Rogan Lab, Western University
No classification provided (evidence only). Condition: Malignant tumor of esophagus. Review status: no classification provided. Collection method: in vitro. Allele origin: not applicable. Functional consequence: retained intron. Not counted in ClinVar's aggregate classification.

Dr. Peter K. Rogan Lab, Western University
No classification provided (evidence only). Condition: Malignant tumor of esophagus. Review status: no classification provided. Collection method: in vitro. Allele origin: not applicable. Functional consequence: retained intron. Not counted in ClinVar's aggregate classification.

Dr. Peter K. Rogan Lab, Western University
No classification provided (evidence only). Condition: Malignant tumor of esophagus. Review status: no classification provided. Collection method: in vitro. Allele origin: not applicable. Functional consequence: retained intron. Not counted in ClinVar's aggregate classification.

Joint Genome Diagnostic Labs from Nijmegen and Maastricht, Radboudumc and MUMC+
Classification: Benign. Review status: no assertion criteria provided. Collection method: clinical testing. Allele origin: germline. Affected: yes. Study: VKGL Data-share Consensus. Not counted in ClinVar's aggregate classification.

Laboratory of Diagnostic Genome Analysis, Leiden University Medical Center (LUMC)
Classification: Likely benign. Review status: no assertion criteria provided. Collection method: clinical testing. Allele origin: germline. Affected: yes. Study: VKGL Data-share Consensus. Not counted in ClinVar's aggregate classification.